The following is an entry in ClinVar:

NM_000548.5(TSC2):c.3954G>A (p.Glu1318=)

Gene: TSC2 (TSC complex subunit 2; plus strand). Cytogenetic location: 16p13.3.
Variant type: single nucleotide variant.
Coding change: c.3954G>A on transcript NM_000548.5 (MANE Select); coding-DNA position 3954, G replaced by A.
Protein change: p.Glu1318=; no amino-acid change (glutamic acid 1318 retained).
Molecular consequence: synonymous variant.
Genome position (GRCh38, 1-based): chr16:2,083,765, G>A. VCF-style: chr16-2083765-G-A. GRCh37 (hg19) VCF-style: chr16-2133766-G-A.
Other names: c.3954G>A (NM_000548.3); c.3753G>A, p.Glu1251= (NM_001077183.3); c.3885G>A, p.Glu1295= (NM_001114382.3); c.3645G>A, p.Glu1215= (NM_001318827.2); c.3609G>A, p.Glu1203= (NM_001318829.2); c.3222G>A, p.Glu1074= (NM_001318831.2); c.3786G>A, p.Glu1262= (NM_001318832.2); c.3756G>A, p.Glu1252= (NM_001363528.2); and 2 more.
Identifiers: ClinVar variation 1158156 (VCV001158156.11), dbSNP rs1165479631, ClinGen allele CA492956636.

ClinVar aggregate classification (germline): Benign/Likely benign. Review status: criteria provided, multiple submitters, no conflicts (2 of 4 stars). 3 submissions from 3 submitters: Benign (1); Likely benign (2). Last evaluated 2025-06-02.

Conditions:
Tuberous sclerosis 2 (TSC2). Identifiers: Orphanet 805, MedGen C1860707, MONDO:0013199, OMIM 613254.
Hereditary cancer-predisposing syndrome. Also called: Neoplastic Syndromes, Hereditary; Hereditary Cancer Syndrome; Hereditary neoplastic syndrome; Tumor predisposition. Identifiers: Orphanet 140162, MedGen C0027672, MeSH D009386, MONDO:0015356.

Allele frequency attached by ClinVar (database versions not stated): gnomAD exomes below 0.00001.
gnomAD v4.1: 2 of 1,610,754 alleles (0.00012%); highest among the groups gnomAD compares: South Asian, 0.0022%; no homozygotes.

Submissions (3):

Myriad Genetics, Inc.
Classification: Benign for Tuberous sclerosis 2. Last evaluated: 2025-06-02. Review status: criteria provided, single submitter. Criteria: Myriad Autosomal Dominant, Autosomal Recessive and X-Linked Classification Criteria (2023). Collection method: clinical testing. Allele origin: unknown.
Comment: This variant is considered benign. This variant is a silent/synonymous amino acid change and it is not expected to impact splicing.

Labcorp Genetics (formerly Invitae), Labcorp
Classification: Likely benign for Tuberous sclerosis 2. Last evaluated: 2024-12-09. Review status: criteria provided, single submitter. Criteria: Invitae Variant Classification Sherloc (09022015). Collection method: clinical testing. Allele origin: germline.

Ambry Genetics
Classification: Likely benign for Hereditary cancer-predisposing syndrome. Last evaluated: 2023-05-23. Review status: criteria provided, single submitter. Criteria: Ambry Variant Classification Scheme 2023. Collection method: clinical testing. Allele origin: germline.